The following is an entry in ClinVar:

NM_000297.4(PKD2):c.2201_2205del (p.Gly734fs)

Gene: PKD2 (polycystin 2, transient receptor potential cation channel; plus strand). Cytogenetic location: 4q22.1.
Variant type: Deletion.
Coding change: c.2201_2205del on transcript NM_000297.4 (MANE Select); coding-DNA positions 2201 to 2205, 5 bases deleted (GCAAG; older notation c.2201_2205delGCAAG).
Protein change: p.Gly734fs; shifts the reading frame from glycine 734.
Molecular consequence: frameshift variant. On other transcripts: non-coding transcript variant (1).
Genome position (GRCh38, 1-based): chr4:88,065,456-88,065,460, GCAAG deleted; deleting any 5 consecutive bases within chr4:88,065,454-88,065,460 gives the same sequence; the c. name uses the placement nearest the transcript's 3' end. VCF-style (leftmost placement, unchanged base first): chr4-88065453-GAGGCA-G. GRCh37 (hg19) VCF-style: chr4-88986605-GAGGCA-G.
Other names: p.Gly734Valfs*4; c.1976_1980del, p.Gly659fs (NM_001440544.1); short protein forms G734fs, G659fs.
Identifiers: ClinVar variation 4540987 (VCV004540987.1).

ClinVar aggregate classification (germline): Likely pathogenic (1 of 4 stars; one submission).

Submission:

Mayo Clinic Laboratories, Mayo Clinic
Classification: Likely pathogenic. Last evaluated: 2025-08-07. Review status: criteria provided, single submitter. Criteria: ACMG Guidelines, 2015. Collection method: clinical testing. Allele origin: germline. Observed: 1 variant allele.
Comment: PM2_supporting, PVS1